The following is an entry in ClinVar:

ClinVar aggregate classification (germline): Uncertain significance (1 of 4 stars; one submission).

Conditions:
Hereditary cancer-predisposing syndrome. Also called: Neoplastic Syndromes, Hereditary; Tumor predisposition; Hereditary Cancer Syndrome; Hereditary neoplastic syndrome. Identifiers: Orphanet 140162, MedGen C0027672, MeSH D009386, MONDO:0015356.

Submission:

Ambry Genetics
Classification: Uncertain significance for Hereditary cancer-predisposing syndrome. Last evaluated: 2019-03-31. Review status: criteria provided, single submitter. Criteria: Ambry Variant Classification Scheme 2023. Collection method: clinical testing. Allele origin: germline.
Comment: The p.H768Q variant (also known as c.2304C>A), located in coding exon 15 of the APC gene, results from a C to A substitution at nucleotide position 2304. The histidine at codon 768 is replaced by glutamine, an amino acid with highly similar properties. This amino acid position is well conserved in available vertebrate species. In addition, in silico predictors for this gene do not accurately predict pathogenicity. Since supporting evidence is limited at this time, the clinical significance of this alteration remains unclear.

NM_000038.6(APC):c.2304C>A (p.His768Gln)

Gene: APC (APC regulator of Wnt signaling pathway; plus strand). Cytogenetic location: 5q22.2.
Variant type: single nucleotide variant.
Coding change: c.2304C>A on transcript NM_000038.6 (MANE Select); coding-DNA position 2304, C replaced by A.
Protein change: p.His768Gln; replaces histidine 768 with glutamine.
Molecular consequence: missense variant.
Genome position (GRCh38, 1-based): chr5:112,837,898, C>A. VCF-style: chr5-112837898-C-A. GRCh37 (hg19) VCF-style: chr5-112173595-C-A.
Other names: c.2304C>A, p.His768Gln (NM_001127510.3, NM_001354895.2); c.2250C>A, p.His750Gln (NM_001127511.3); c.2358C>A, p.His786Gln (NM_001354896.2); c.2334C>A, p.His778Gln (NM_001354897.2); c.2229C>A, p.His743Gln (NM_001354898.2); c.2220C>A, p.His740Gln (NM_001354899.2); c.2181C>A, p.His727Gln (NM_001354900.2); c.2127C>A, p.His709Gln (NM_001354901.2); and 5 more; short protein forms H642Q, H667Q, H677Q, H750Q, H740Q, H743Q, H786Q, H485Q.
Identifiers: ClinVar variation 821005 (VCV000821005.4), dbSNP rs1580620349, ClinGen allele CA16026382.